The following is an entry in ClinVar:

NM_181078.3(IL21R):c.823C>T (p.Arg275Trp)

Gene: IL21R (interleukin 21 receptor; plus strand). Cytogenetic location: 16p12.1.
Variant type: single nucleotide variant.
Coding change: c.823C>T on transcript NM_181078.3 (MANE Select); coding-DNA position 823, C replaced by T.
Protein change: p.Arg275Trp; replaces arginine 275 with tryptophan.
Molecular consequence: missense variant.
Genome position (GRCh38, 1-based): chr16:27,446,044, C>T. VCF-style: chr16-27446044-C-T. GRCh37 (hg19) VCF-style: chr16-27457365-C-T.
Other names: c.823C>T, p.Arg275Trp (NM_021798.4); c.889C>T, p.Arg297Trp (NM_181079.5); short protein forms R275W, R297W.
Identifiers: ClinVar variation 639315 (VCV000639315.6), dbSNP rs200379224, ClinGen allele CA7975080.

ClinVar aggregate classification (germline): Uncertain significance (1 of 4 stars; one submission).

Conditions:
Cryptosporidiosis-chronic cholangitis-liver disease syndrome. Also called: IL21R immunodeficiency; Immunodeficiency type 56. Identifiers: Orphanet 357329, MedGen C3554687, MONDO:0014082, OMIM 615207.

Allele frequency attached by ClinVar (database versions not stated): TOPMed 0.00002; 1000 Genomes Project 0.00020; 1000 Genomes Project 30x 0.00031.
gnomAD v4.1: 80 of 1,613,808 alleles (0.005%); highest among the groups gnomAD compares: Non-Finnish European, 0.0049%; no homozygotes.

Submission:

Labcorp Genetics (formerly Invitae), Labcorp
Classification: Uncertain significance for Cryptosporidiosis-chronic cholangitis-liver disease syndrome. Last evaluated: 2022-04-03. Review status: criteria provided, single submitter. Criteria: Invitae Variant Classification Sherloc (09022015). Collection method: clinical testing. Allele origin: germline.
Comment: This sequence change replaces arginine, which is basic and polar, with tryptophan, which is neutral and slightly polar, at codon 275 of the IL21R protein (p.Arg275Trp). This variant is present in population databases (rs200379224, gnomAD 0.01%). This variant has not been reported in the literature in individuals affected with IL21R-related conditions. ClinVar contains an entry for this variant (Variation ID: 639315). Algorithms developed to predict the effect of missense changes on protein structure and function output the following: SIFT: "Deleterious"; PolyPhen-2: "Benign"; Align-GVGD: "Class C0". The tryptophan amino acid residue is found in multiple mammalian species, which suggests that this missense change does not adversely affect protein function. In summary, the available evidence is currently insufficient to determine the role of this variant in disease. Therefore, it has been classified as a Variant of Uncertain Significance.